The following is an entry in ClinVar:

NM_000525.4(KCNJ11):c.*1168G>A

Gene: KCNJ11 (potassium inwardly rectifying channel subfamily J member 11; minus strand). Cytogenetic location: 11p15.1.
Variant type: single nucleotide variant.
Coding change: c.*1168G>A on transcript NM_000525.4 (MANE Select); 1168 bases downstream of the stop codon, G replaced by A.
Molecular consequence: 3 prime UTR variant.
Genome position (GRCh38, 1-based): chr11:17,385,751, C>T on the plus strand (G>A on the coding strand, the complement: KCNJ11 is on the minus strand). VCF-style: chr11-17385751-C-T. GRCh37 (hg19) VCF-style: chr11-17407298-C-T.
Other names: c.*1168G>A (NM_001166290.2, NM_001377296.1, NM_001377297.1).
Identifiers: ClinVar variation 303709 (VCV000303709.7), dbSNP rs182349583, ClinGen allele CA10634180.
Genomic context (GRCh38, chr11:17,385,751, plus strand): 5'-GGAAAGTCCCCCTGAACTGGTGGAAGAGGTGCCAGCCTTCCGTCCCTCCCCTGCCCTCCC[C>T]GCTAGGGTCTATGGCGCCTCTTGAAGGGGGTGGCAGCTGCCAGTCCCTGCCTCCCTTCCC-3'

ClinVar aggregate classification (germline): Conflicting classifications of pathogenicity. Review status: criteria provided, conflicting classifications (1 of 4 stars). 5 submissions from 3 submitters: Uncertain significance (2); Benign (2); Likely benign (1). Last evaluated 2021-11-02.

Conditions:
Maturity-onset diabetes of the young type 13. Also called: MODY, TYPE 13. Identifiers: Orphanet 552, MedGen C4225365, MONDO:0014589, OMIM 616329.
Maturity-onset diabetes of the young (MODY). Also called: Maturity onset diabetes mellitus in young. Identifiers: Orphanet 552, MedGen C0342276, MONDO:0018911, HP:0004904.
Diabetes mellitus, transient neonatal, 3 (TNDM3). Identifiers: Orphanet 99886, MedGen C1864623, MONDO:0012522, OMIM 610582. Disease mechanism: loss of function.
Hyperinsulinemic hypoglycemia, familial, 2. Also called: HYPERINSULINEMIC HYPOGLYCEMIA, PERSISTENT; HYPERINSULINISM, NEONATAL. Identifiers: Orphanet 276580, Orphanet 276603, MedGen C2931833, MONDO:0011153, OMIM 601820. Disease mechanism: loss of function.

Allele frequency attached by ClinVar (database versions not stated): gnomAD 0.00376 and 0.00391; 1000 Genomes Project 0.00399; 1000 Genomes Project 30x 0.00437; TOPMed 0.00448.

Submissions (5):

GeneDx
Classification: Likely benign. Last evaluated: 2021-11-02. Review status: criteria provided, single submitter. Criteria: GeneDx Variant Classification Process June 2021. Collection method: clinical testing. Allele origin: germline. Affected: yes.
Comment: See Variant Classification Assertion Criteria.

Illumina Laboratory Services, Illumina
Classification: Benign for Maturity-onset diabetes of the young type 13. Last evaluated: 2018-01-13. Review status: criteria provided, single submitter. Criteria: ICSL Variant Classification Criteria 13 December 2019. Collection method: clinical testing. Allele origin: germline.
Comment: This variant was observed in the ICSL laboratory as part of a predisposition screen in an ostensibly healthy population. It had not been previously curated by ICSL or reported in the Human Gene Mutation Database (HGMD: prior to June 1st, 2018), and was therefore a candidate for classification through an automated scoring system. Utilizing variant allele frequency, disease prevalence and penetrance estimates, and inheritance mode, an automated score was calculated to assess if this variant is too frequent to cause the disease. Based on the score and internal cut-off values, a variant classified as benign is not then subjected to further curation. The score for this variant resulted in a classification of benign for this disease.

Illumina Laboratory Services, Illumina
Classification: Benign for Diabetes mellitus, transient neonatal, 3. Last evaluated: 2018-01-13. Review status: criteria provided, single submitter. Criteria: ICSL Variant Classification Criteria 13 December 2019. Collection method: clinical testing. Allele origin: germline.
Comment: the same text as in the submission from Illumina Laboratory Services, Illumina above.

Illumina Laboratory Services, Illumina
Classification: Uncertain significance for Hyperinsulinemic hypoglycemia, familial, 2. Last evaluated: 2018-01-13. Review status: criteria provided, single submitter. Criteria: ICSL Variant Classification Criteria 13 December 2019. Collection method: clinical testing. Allele origin: germline.

Clinical Genomics, Uppaluri K&H Personalized Medicine Clinic
Classification: Uncertain significance for Maturity-onset diabetes of the young. Review status: criteria provided, single submitter. Criteria: K & H Uppaluri Personalized Medicine Clinic Variant Classification & Assertion Criteria_Updated V.1. Collection method: research. Allele origin: somatic. Inheritance: Autosomal dominant inheritance.
Comment: Mutations in KCNJ11 gene can cause decreased production and secretion of insulin. This can lead to MODY which may be responsive to oral sulfonylureas. It is also associated with Neonatal Diabetes. However, no sufficient evidence is found to ascertain the role of this particular variant (rs182349583) in MODY yet.

Literature cited by the submitters: PubMed 26448950 (cited by Clinical Genomics, Uppaluri K&H Personalized Medicine Clinic); PubMed 15580558 (cited by Clinical Genomics, Uppaluri K&H Personalized Medicine Clinic); PubMed 15718250 (cited by Clinical Genomics, Uppaluri K&H Personalized Medicine Clinic); PubMed 32935446 (cited by Clinical Genomics, Uppaluri K&H Personalized Medicine Clinic); PubMed 22701567 (cited by Clinical Genomics, Uppaluri K&H Personalized Medicine Clinic).